The following is an entry in ClinVar:

ClinVar aggregate classification (germline): Uncertain significance (1 of 4 stars; one submission).

Conditions:
Atrioventricular septal defect 5 (AVSD5). Identifiers: MedGen C3280939, MONDO:0013769, OMIM 614474.

Submission:

Labcorp Genetics (formerly Invitae), Labcorp
Classification: Uncertain significance for Atrioventricular septal defect 5. Last evaluated: 2023-03-26. Review status: criteria provided, single submitter. Criteria: Invitae Variant Classification Sherloc (09022015). Collection method: clinical testing. Allele origin: germline.
Comment: In summary, the available evidence is currently insufficient to determine the role of this variant in disease. Therefore, it has been classified as a Variant of Uncertain Significance. This variant has not been reported in the literature in individuals affected with GATA6-related conditions. This variant is not present in population databases (gnomAD no frequency). This variant, c.1119_1133dup, results in the insertion of 5 amino acid(s) of the GATA6 protein (p.Arg374_Ala378dup), but otherwise preserves the integrity of the reading frame.

NM_005257.6(GATA6):c.1119_1133dup (p.Ala378_Asp379insArgGlyProSerAla)

Gene: GATA6 (GATA binding protein 6; plus strand). Cytogenetic location: 18q11.2.
Variant type: Duplication.
Coding change: c.1119_1133dup on transcript NM_005257.6 (MANE Select); coding-DNA positions 1119 to 1133, 15 bases duplicated (CCGGGGTCCCAGTGC).
Protein change: p.Ala378_Asp379insArgGlyProSerAla.
Molecular consequence: inframe insertion.
Genome position (GRCh38, 1-based): chr18:22,172,263-22,172,277, CCGGGGTCCCAGTGC duplicated; duplicating any 15 consecutive bases within chr18:22,172,262-22,172,277 gives the same sequence; the c. name uses the placement nearest the transcript's 3' end. VCF-style (leftmost placement, unchanged base first): chr18-22172261-C-CCCCGGGGTCCCAGTG. GRCh37 (hg19) VCF-style: chr18-19752222-C-CCCCGGGGTCCCAGTG.
Identifiers: ClinVar variation 2868394 (VCV002868394.3), dbSNP rs1319655364, ClinGen allele CA777599701.